The following is an entry in ClinVar:

NM_001394062.1(MACF1):c.15139A>G (p.Lys5047Glu)

Gene: MACF1 (microtubule actin crosslinking factor 1; plus strand). Cytogenetic location: 1p34.3.
Variant type: single nucleotide variant.
Coding change: c.15139A>G on transcript NM_001394062.1 (MANE Select); coding-DNA position 15139, A replaced by G.
Protein change: p.Lys5047Glu; replaces lysine 5047 with glutamic acid.
Molecular consequence: missense variant.
Genome position (GRCh38, 1-based): chr1:39,387,981, A>G. VCF-style: chr1-39387981-A-G. GRCh37 (hg19) VCF-style: chr1-39853653-A-G.
Other names: c.8953A>G, p.Lys2985Glu (NM_012090.5); short protein forms K2985E, K5047E.
Identifiers: ClinVar variation 3367379 (VCV003367379.1).

ClinVar aggregate classification (germline): Uncertain significance (1 of 4 stars; one submission).

Submission:

GeneDx
Classification: Uncertain significance. Last evaluated: 2023-12-28. Review status: criteria provided, single submitter. Criteria: GeneDx Variant Classification Process June 2021. Collection method: clinical testing. Allele origin: germline. Affected: yes.
Comment: Not observed at significant frequency in large population cohorts (gnomAD); In silico analysis supports that this missense variant has a deleterious effect on protein structure/function; Has not been previously published as pathogenic or benign to our knowledge